The following is an entry in ClinVar:

NM_000321.3(RB1):c.-135G>A

Gene: RB1 (RB transcriptional corepressor 1; plus strand). Cytogenetic location: 13q14.2.
Variant type: single nucleotide variant.
Coding change: c.-135G>A on transcript NM_000321.3 (MANE Select); 135 bases upstream of the start codon, G replaced by A.
Molecular consequence: 5 prime UTR variant.
Genome position (GRCh38, 1-based): chr13:48,303,778, G>A. VCF-style: chr13-48303778-G-A. GRCh37 (hg19) VCF-style: chr13-48877914-G-A.
Other names: c.-135G>A (NM_001407165.1, NM_001407166.1, NM_001407167.1).
Identifiers: ClinVar variation 3617592 (VCV003617592.2).

ClinVar aggregate classification (germline): Uncertain significance (1 of 4 stars; one submission).

Conditions:
Retinoblastoma (RB1). Also called: RETINOBLASTOMA, SOMATIC. Identifiers: Orphanet 790, MedGen C0035335, MeSH D012175, MONDO:0008380, OMIM 180200, HP:0009919. Disease mechanism: loss of function. Inheritance: Both sporadic and heritable forms are tested..

gnomAD v4.1: 2 of 1,354,012 alleles (0.00015%); highest among the groups gnomAD compares: Non-Finnish European, 0.0002%; no homozygotes.

Submission:

Labcorp Genetics (formerly Invitae), Labcorp
Classification: Uncertain significance for Retinoblastoma. Last evaluated: 2025-08-31. Review status: criteria provided, single submitter. Criteria: Invitae Variant Classification Sherloc (09022015). Collection method: clinical testing. Allele origin: germline.
Comment: This variant occurs in a non-coding region of the RB1 gene. It does not change the encoded amino acid sequence of the RB1 protein. This variant is not present in population databases (gnomAD no frequency). This variant has not been reported in the literature in individuals affected with RB1-related conditions. ClinVar contains an entry for this variant (Variation ID: 3617592). In summary, the available evidence is currently insufficient to determine the role of this variant in disease. Therefore, it has been classified as a Variant of Uncertain Significance.